The following is an entry in ClinVar:

ClinVar aggregate classification (germline): Likely benign (1 of 4 stars; one submission).

Allele frequency attached by ClinVar (database versions not stated): TOPMed 0.00012; ESP Exome Variant Server 0.00015; 1000 Genomes Project 30x 0.00016; 1000 Genomes Project 0.00020; gnomAD exomes 0.00049; gnomAD 0.00070; ExAC 0.00079.
gnomAD v4.1: 829 of 1,614,112 alleles (0.051%); highest among the groups gnomAD compares: Non-Finnish European, 0.026%; no homozygotes.

Submission:

CeGaT Center for Human Genetics Tuebingen
Classification: Likely benign. Last evaluated: 2023-12-01. Review status: criteria provided, single submitter. Criteria: CeGaT Center For Human Genetics Tuebingen Variant Classification Criteria Version 2. Collection method: clinical testing. Allele origin: germline. Affected: yes. Observed: 1 variant allele.
Comment: SPG7: BP4, BP7

NM_003119.4(SPG7):c.1324+4321A>G

Gene: SPG7 (SPG7 matrix AAA peptidase subunit, paraplegin; plus strand). Cytogenetic location: 16q24.3.
Variant type: single nucleotide variant.
Coding change: c.1324+4321A>G on transcript NM_003119.4 (MANE Select); 4321 bases into the intron after coding-DNA position 1324, A replaced by G.
Molecular consequence: intron variant. On other transcripts: 3 prime UTR variant (1).
Genome position (GRCh38, 1-based): chr16:89,536,957, A>G. VCF-style: chr16-89536957-A-G. GRCh37 (hg19) VCF-style: chr16-89603365-A-G.
Other names: c.*47A>G (NM_199367.3); c.1324+4321A>G (NM_001363850.1).
Identifiers: ClinVar variation 3025927 (VCV003025927.22), dbSNP rs200459021, ClinGen allele CA8244132.